The following is an entry in ClinVar:

ClinVar aggregate classification (germline): Likely pathogenic (1 of 4 stars; one submission).

Conditions:
Abetalipoproteinaemia (ABL). Also called: Abetalipoproteinemia; Abetalipoproteinemia neuropathy; Apolipoprotein B deficiency; Congenital betalipoprotein deficiency syndrome; MTP DEFICIENCY. Identifiers: Orphanet 14, MedGen C0000744, MONDO:0008692, OMIM 200100, HP:0008181.

Submission:

Myriad Genetics, Inc.
Classification: Likely pathogenic for Abetalipoproteinaemia. Last evaluated: 2020-01-23. Review status: criteria provided, single submitter. Criteria: Myriad Women's Health Autosomal Recessive and X-Linked Classification Criteria (2019). Collection method: clinical testing. Allele origin: unknown.
Comment: NM_000253.2(MTTP):c.2021T>A(L674*) is expected to be pathogenic in the context of abetalipoproteinemia. This variant is predicted to lead to an abnormal or absent protein product due to the creation of a premature termination codon in MTTP, a gene where loss-of-function variants are known to be pathogenic. Please note: this variant was assessed in the context of healthy population screening.

NM_001386140.1(MTTP):c.2021T>A (p.Leu674Ter)

Gene: MTTP (microsomal triglyceride transfer protein; plus strand). Cytogenetic location: 4q23.
Variant type: single nucleotide variant.
Coding change: c.2021T>A on transcript NM_001386140.1 (MANE Select); coding-DNA position 2021, T replaced by A.
Protein change: p.Leu674Ter; replaces leucine 674 with a stop codon.
Molecular consequence: nonsense.
Genome position (GRCh38, 1-based): chr4:99,612,944, T>A. VCF-style: chr4-99612944-T-A. GRCh37 (hg19) VCF-style: chr4-100534101-T-A.
Other names: c.2021T>A, p.Leu674Ter (NM_000253.4); c.1772T>A, p.Leu591Ter (NM_001300785.2); short protein forms L591*, L674*.
Identifiers: ClinVar variation 983775 (VCV000983775.3), dbSNP rs1725996321, ClinGen allele CA357516596.